The following is an entry in ClinVar:

ClinVar aggregate classification (germline): Likely pathogenic (1 of 4 stars; one submission).

Conditions:
Holocarboxylase synthetase deficiency. Also called: MULTIPLE CARBOXYLASE DEFICIENCY, EARLY ONSET. Identifiers: Orphanet 79242, MedGen C0268581, MONDO:0009666, OMIM 253270.

Submission:

Myriad Genetics, Inc.
Classification: Likely pathogenic for Holocarboxylase synthetase deficiency. Last evaluated: 2022-03-15. Review status: criteria provided, single submitter. Criteria: Myriad Women's Health Autosomal Recessive and X-Linked Classification Criteria (2021). Collection method: clinical testing. Allele origin: unknown.
Comment: NM_000411.6(HLCS):c.963delT(F321Lfs*15) is expected to be pathogenic in the context of holocarboxylase synthetase deficiency. This variant is predicted to lead to an abnormal or absent protein product due to the creation of a premature termination codon in HLCS, a gene where loss-of-function variants are known to be pathogenic. Please note: this variant was assessed in the context of healthy population screening.

NM_001352514.2(HLCS):c.1404del (p.Phe468fs)

Gene: HLCS (holocarboxylase synthetase; minus strand). Cytogenetic location: 21q22.13.
Variant type: Deletion.
Coding change: c.1404del on transcript NM_001352514.2 (MANE Select); coding-DNA position 1404, one base deleted (T; older notation c.1404delT).
Protein change: p.Phe468fs; shifts the reading frame from phenylalanine 468.
Molecular consequence: frameshift variant. On other transcripts: non-coding transcript variant (2).
Genome position (GRCh38, 1-based): chr21:36,936,482, A deleted on the plus strand (T on the coding strand, the reverse complement: HLCS is on the minus strand); the first of 4 consecutive A bases (chr21:36,936,482-36,936,485); deleting any one gives the same sequence. VCF-style (leftmost placement, unchanged base first): chr21-36936481-CA-C. GRCh37 (hg19) VCF-style: chr21-38308781-CA-C.
Other names: c.963del, p.Phe321fs (NM_000411.8, NM_001242784.3, NM_001242785.2 and 4 more transcripts); short protein forms F321fs, F468fs.
Identifiers: ClinVar variation 1725303 (VCV001725303.2), dbSNP rs2517574850, ClinGen allele CA2580098659.